The following is an entry in ClinVar:

NM_001039591.3(USP9X):c.1303T>C (p.Trp435Arg)

Gene: USP9X (ubiquitin specific peptidase 9 X-linked; plus strand). Cytogenetic location: Xp11.4.
Variant type: single nucleotide variant.
Coding change: c.1303T>C on transcript NM_001039591.3 (MANE Select); coding-DNA position 1303, T replaced by C.
Protein change: p.Trp435Arg; replaces tryptophan 435 with arginine.
Molecular consequence: missense variant.
Genome position (GRCh38, 1-based): chrX:41,143,432, T>C. VCF-style: chrX-41143432-T-C. GRCh37 (hg19) VCF-style: chrX-41002685-T-C.
Other names: c.1303T>C, p.Trp435Arg (NM_001039590.3); short protein forms W435R.
Identifiers: ClinVar variation 422179 (VCV000422179.2), dbSNP rs1064795608, ClinGen allele CA16621373.

ClinVar aggregate classification (germline): Likely pathogenic (1 of 4 stars; one submission).

Submission:

GeneDx
Classification: Likely pathogenic. Last evaluated: 2016-09-06. Review status: criteria provided, single submitter. Criteria: GeneDx Variant Classification (06012015). Collection method: clinical testing. Allele origin: germline. Affected: yes.
Comment: The W435R variant in the USP9X gene has not been reported previously as a pathogenic variant, nor as a benign variant, to our knowledge. The W435R variant was not observed in approximately 6100 individuals of European and African American ancestry in the NHLBI Exome Sequencing Project, indicating it is not a common benign variant in these populations. The W435R variant is a non-conservative amino acid substitution, which is likely to impact secondary protein structure as these residues differ in polarity, charge, size and/or other properties. This substitution occurs at a position that is conserved across species, and in silico analysis predicts this variant is probably damaging to the protein structure/function. The W435R variant is a strong candidate for a pathogenic variant